The following is an entry in ClinVar:

NM_004618.5(TOP3A):c.2597C>T (p.Pro866Leu)

Gene: TOP3A (DNA topoisomerase III alpha; minus strand). Cytogenetic location: 17p11.2.
Variant type: single nucleotide variant.
Coding change: c.2597C>T on transcript NM_004618.5 (MANE Select); coding-DNA position 2597, C replaced by T.
Protein change: p.Pro866Leu; replaces proline 866 with leucine.
Molecular consequence: missense variant.
Genome position (GRCh38, 1-based): chr17:18,277,905, G>A on the plus strand (C>T on the coding strand, the complement: TOP3A is on the minus strand). VCF-style: chr17-18277905-G-A. GRCh37 (hg19) VCF-style: chr17-18181219-G-A.
Other names: c.2597C>T (NM_004618.3); c.2312C>T, p.Pro771Leu (NM_001320759.2); short protein forms P866L, P771L.
Identifiers: ClinVar variation 2188638 (VCV002188638.6), dbSNP rs768630655, ClinGen allele CA8429566.

ClinVar aggregate classification (germline): Uncertain significance. Review status: criteria provided, multiple submitters, no conflicts (2 of 4 stars). 2 submissions from 2 submitters: Uncertain significance (2). Last evaluated 2025-09-24.

Conditions:
Inborn genetic diseases. Identifiers: MedGen C0950123, MeSH D030342.

Allele frequency attached by ClinVar (database versions not stated): ExAC 0.00001; gnomAD 0.00001; TOPMed 0.00007.
gnomAD v4.1: 22 of 1,613,838 alleles (0.0014%); highest among the groups gnomAD compares: Admixed American, 0.022%; no homozygotes.

Submissions (2):

Labcorp Genetics (formerly Invitae), Labcorp
Classification: Uncertain significance. Last evaluated: 2025-09-24. Review status: criteria provided, single submitter. Criteria: Invitae Variant Classification Sherloc (09022015). Collection method: clinical testing. Allele origin: germline.
Comment: This sequence change replaces proline, which is neutral and non-polar, with leucine, which is neutral and non-polar, at codon 866 of the TOP3A protein (p.Pro866Leu). This variant is present in population databases (rs768630655, gnomAD 0.02%). This variant has not been reported in the literature in individuals affected with TOP3A-related conditions. ClinVar contains an entry for this variant (Variation ID: 2188638). An algorithm developed to predict the effect of missense changes on protein structure and function outputs the following: PolyPhen-2: "Benign". The leucine amino acid residue is found in multiple mammalian species, which suggests that this missense change does not adversely affect protein function. In summary, the available evidence is currently insufficient to determine the role of this variant in disease. Therefore, it has been classified as a Variant of Uncertain Significance.

Ambry Genetics
Classification: Uncertain significance for Inborn genetic diseases. Last evaluated: 2023-03-31. Review status: criteria provided, single submitter. Criteria: Ambry Variant Classification Scheme 2023. Collection method: clinical testing. Allele origin: germline.